The following is an entry in ClinVar:

NM_001005242.3(PKP2):c.2085T>C (p.His695=)

Gene: PKP2 (plakophilin 2; minus strand). Cytogenetic location: 12p11.21.
Variant type: single nucleotide variant.
Coding change: c.2085T>C on transcript NM_001005242.3 (MANE Select); coding-DNA position 2085, T replaced by C.
Protein change: p.His695=; no amino-acid change (histidine 695 retained).
Molecular consequence: synonymous variant.
Genome position (GRCh38, 1-based): chr12:32,802,485, A>G on the plus strand (T>C on the coding strand, the complement: PKP2 is on the minus strand). VCF-style: chr12-32802485-A-G. GRCh37 (hg19) VCF-style: chr12-32955419-A-G.
Other names: c.2085T>C, p.His695= (NM_001407155.1); c.1920T>C, p.His640= (NM_001407156.1); c.1758T>C, p.His586= (NM_001407158.1, NM_001407159.1, NM_001407160.1); c.2217T>C, p.His739= (NM_004572.4).
Identifiers: ClinVar variation 3073150 (VCV003073150.1), dbSNP rs1783959427, ClinGen allele CA479174810.

ClinVar aggregate classification (germline): Likely benign (1 of 4 stars; one submission).

Conditions:
Arrhythmogenic right ventricular cardiomyopathy (ARVD). Also called: Arrhythmogenic right ventricular dysplasia; Cardiomyopathy, ARVC; Arrhythmogenic cardiomyopathy; Arrhythmogenic Right Ventricular Cardiomyopathy (ARVC). Identifiers: Orphanet 247, MedGen C0349788, MeSH D019571, MONDO:0016587. Disease mechanism: loss of function. Inheritance: Various modes of inheritance.

Allele frequency attached by ClinVar (database versions not stated): gnomAD exomes below 0.00001.

Submission:

All of Us Research Program, National Institutes of Health
Classification: Likely benign for Arrhythmogenic right ventricular cardiomyopathy. Last evaluated: 2023-08-23. Review status: criteria provided, single submitter. Criteria: ACMG Guidelines, 2015. Collection method: clinical testing. Allele origin: germline. Inheritance: Autosomal dominant inheritance. Observed: 1 variant allele, 1 heterozygote.
Comment: This study involves interpretation of variants in research participants for the purpose of population health screening. Participant phenotype was not available at the time of variant classification. Additional details can be found in publication PMID: 35346344, PMCID: PMC8962531